The following is an entry in ClinVar:

ClinVar aggregate classification (germline): Uncertain significance. Review status: criteria provided, multiple submitters, no conflicts (2 of 4 stars). 4 submissions from 4 submitters: Uncertain significance (4). Last evaluated 2025-05-21.

Conditions:
Inborn genetic diseases. Identifiers: MedGen C0950123, MeSH D030342.
Charcot-Marie-Tooth disease axonal type 2O. Also called: CHARCOT-MARIE-TOOTH NEUROPATHY, AXONAL, TYPE 2O; CHARCOT-MARIE-TOOTH DISEASE, AXONAL, AUTOSOMAL DOMINANT, TYPE 2O; Charcot-Marie-Tooth Neuropathy Type 2O; Charcot-Marie-Tooth disease, axonal, type 20. Identifiers: Orphanet 284232, MedGen C3280220, MONDO:0013644, OMIM 614228.
DYNC1H1-related disorder. Also called: DYNC1H1-related condition; DYNC1H1-related disorders. Identifiers: MedGen CN381529.

Allele frequency attached by ClinVar (database versions not stated): TOPMed below 0.00001; gnomAD 0.00001; gnomAD exomes 0.00001.
gnomAD v4.1: 5 of 1,614,016 alleles (0.00031%); highest among the groups gnomAD compares: Non-Finnish European, 0.00042%; no homozygotes.

Submissions (4):

Labcorp Genetics (formerly Invitae), Labcorp
Classification: Uncertain significance for Charcot-Marie-Tooth disease axonal type 2O. Last evaluated: 2025-05-21. Review status: criteria provided, single submitter. Criteria: Invitae Variant Classification Sherloc (09022015). Collection method: clinical testing. Allele origin: germline.
Comment: This sequence change replaces asparagine, which is neutral and polar, with histidine, which is basic and polar, at codon 4038 of the DYNC1H1 protein (p.Asn4038His). This variant is not present in population databases (gnomAD no frequency). This missense change has been observed in individuals with clinical features of DYNC1H1-related conditions (internal data). ClinVar contains an entry for this variant (Variation ID: 539770). Invitae Evidence Modeling of protein sequence and biophysical properties (such as structural, functional, and spatial information, amino acid conservation, physicochemical variation, residue mobility, and thermodynamic stability) indicates that this missense variant is not expected to disrupt DYNC1H1 protein function with a negative predictive value of 95%. In summary, the available evidence is currently insufficient to determine the role of this variant in disease. Therefore, it has been classified as a Variant of Uncertain Significance.

GeneDx
Classification: Uncertain significance. Last evaluated: 2024-09-19. Review status: criteria provided, single submitter. Criteria: GeneDx Variant Classification Process June 2021. Collection method: clinical testing. Allele origin: germline. Affected: yes.
Comment: Has not been previously published as pathogenic or benign to our knowledge; In silico analysis supports that this missense variant has a deleterious effect on protein structure/function; Not observed at significant frequency in large population cohorts (gnomAD); This variant is associated with the following publications: (PMID: 25512093, 25609763, 26100331)

Ambry Genetics
Classification: Uncertain significance for Inborn genetic diseases. Last evaluated: 2023-05-22. Review status: criteria provided, single submitter. Criteria: Ambry Variant Classification Scheme 2023. Collection method: clinical testing. Allele origin: germline.

PreventionGenetics, part of Exact Sciences
Classification: Uncertain significance for DYNC1H1-related condition. Last evaluated: 2022-10-21. Review status: criteria provided, single submitter. Criteria: ACMG Guidelines, 2015. Collection method: clinical testing. Allele origin: germline.
Comment: The DYNC1H1 c.12112A>C variant is predicted to result in the amino acid substitution p.Asn4038His. To our knowledge, this variant has not been reported in the literature or in a large population database, indicating this variant is rare. At this time, the clinical significance of this variant is uncertain due to the absence of conclusive functional and genetic evidence.

NM_001376.5(DYNC1H1):c.12112A>C (p.Asn4038His)

Gene: DYNC1H1 (dynein cytoplasmic 1 heavy chain 1; plus strand). Cytogenetic location: 14q32.31.
Variant type: single nucleotide variant.
Coding change: c.12112A>C on transcript NM_001376.5 (MANE Select); coding-DNA position 12112, A replaced by C.
Protein change: p.Asn4038His; replaces asparagine 4038 with histidine.
Molecular consequence: missense variant.
Genome position (GRCh38, 1-based): chr14:102,042,022, A>C. VCF-style: chr14-102042022-A-C. GRCh37 (hg19) VCF-style: chr14-102508359-A-C.
Other names: short protein forms N4038H.
Identifiers: ClinVar variation 539770 (VCV000539770.17), dbSNP rs1271427633, ClinGen allele CA391038329.